The following is an entry in ClinVar:

ClinVar aggregate classification (germline): Likely pathogenic. Review status: criteria provided, multiple submitters, no conflicts (2 of 4 stars). 3 submissions from 3 submitters: Likely pathogenic (2). 1 of the submissions does not count toward it. Last evaluated 2025-07-18.

Conditions:
Hypogonadotropic hypogonadism 3 with or without anosmia (HH3). Also called: HYPOGONADOTROPIC HYPOGONADISM 3 WITH ANOSMIA; PROKR2-Related GnRH Deficiency (Kallmann Syndrome 3). Identifiers: Orphanet 478, MedGen C3550478, MONDO:0009482, OMIM 244200.

Allele frequency attached by ClinVar (database versions not stated): gnomAD 0.00009; TOPMed 0.00009.
gnomAD v4.1: 92 of 1,613,938 alleles (0.0057%); highest among the groups gnomAD compares: Admixed American, 0.015%; no homozygotes.

Submissions (3):

Labcorp Genetics (formerly Invitae), Labcorp
Classification: Likely pathogenic. Last evaluated: 2025-07-18. Review status: criteria provided, single submitter. Criteria: Invitae Variant Classification Sherloc (09022015). Collection method: clinical testing. Allele origin: germline.
Comment: This sequence change replaces arginine, which is basic and polar, with glutamine, which is neutral and polar, at codon 164 of the PROKR2 protein (p.Arg164Gln). This variant is present in population databases (no rsID available, gnomAD 0.006%). This missense change has been observed in individuals with autosomal dominant Kallmann syndrome and/or idiopathic hypogonadotropic hypogonadism (PMID: 17054399, 22035731, 23643382, 35090434, 35922219). This variant has been reported in individual(s) with autosomal recessive Kallmann syndrome (PMID: 20022991); however, the role of the variant in this condition is currently unclear. This variant is also known as c.431G>A. ClinVar contains an entry for this variant (Variation ID: 1184527). Invitae Evidence Modeling of protein sequence and biophysical properties (such as structural, functional, and spatial information, amino acid conservation, physicochemical variation, residue mobility, and thermodynamic stability) indicates that this missense variant is expected to disrupt PROKR2 protein function with a positive predictive value of 80%. Experimental studies have shown that this missense change affects PROKR2 function (PMID: 18826963, 21454486, 24830383, 29161432). In summary, the currently available evidence indicates that the variant is pathogenic, but additional data are needed to prove that conclusively. Therefore, this variant has been classified as Likely Pathogenic.

Fulgent Genetics
Classification: Likely pathogenic for Hypogonadotropic hypogonadism 3 with or without anosmia. Last evaluated: 2024-05-06. Review status: criteria provided, single submitter. Criteria: ACMG Guidelines, 2015. Collection method: clinical testing. Allele origin: germline.

Genomics England Pilot Project, Genomics England
Classification: Likely pathogenic for Hypogonadotropic hypogonadism 3 with or without anosmia. Review status: no assertion criteria provided. Criteria: ACGS Guidelines, 2016. Collection method: clinical testing. Allele origin: germline. Affected: yes. Not counted in ClinVar's aggregate classification.

Literature cited by the submitters: PubMed 17054399 (cited by Labcorp Genetics (formerly Invitae), Labcorp); PubMed 22035731 (cited by Labcorp Genetics (formerly Invitae), Labcorp); PubMed 23643382 (cited by Labcorp Genetics (formerly Invitae), Labcorp); PubMed 35090434 (cited by Labcorp Genetics (formerly Invitae), Labcorp); PubMed 35922219 (cited by Labcorp Genetics (formerly Invitae), Labcorp); PubMed 20022991 (cited by Labcorp Genetics (formerly Invitae), Labcorp); PubMed 18826963 (cited by Labcorp Genetics (formerly Invitae), Labcorp); PubMed 21454486 (cited by Labcorp Genetics (formerly Invitae), Labcorp); PubMed 24830383 (cited by Labcorp Genetics (formerly Invitae), Labcorp); PubMed 29161432 (cited by Labcorp Genetics (formerly Invitae), Labcorp).

NM_144773.4(PROKR2):c.491G>A (p.Arg164Gln)

Gene: PROKR2 (prokineticin receptor 2; minus strand). Cytogenetic location: 20p12.3.
Variant type: single nucleotide variant.
Coding change: c.491G>A on transcript NM_144773.4 (MANE Select); coding-DNA position 491, G replaced by A.
Protein change: p.Arg164Gln; replaces arginine 164 with glutamine.
Molecular consequence: missense variant.
Genome position (GRCh38, 1-based): chr20:5,302,704, C>T on the plus strand (G>A on the coding strand, the complement: PROKR2 is on the minus strand). VCF-style: chr20-5302704-C-T. GRCh37 (hg19) VCF-style: chr20-5283350-C-T.
Other names: short protein forms R164Q.
Identifiers: ClinVar variation 1184527 (VCV001184527.5), dbSNP rs751875578, ClinGen allele CA311167332.
Genomic context (GRCh38, chr20:5,302,704, plus strand): 5'-ATGAGAATGGACACCATCCAGACCAAGGCGATCAGGAAGGAGGCCGTTTGATAATTCATC[C>T]GTGGTTTCAAGGGGTGAACGATGGCGAGATATCTGGTGGGGGAGGGAAGCCAACAGTAGT-3'
Protein context (NP_658986.1, residues 154-174): YLAIVHPLKP[Arg164Gln]MNYQTASFLI